The following is an entry in ClinVar:

ClinVar aggregate classification (germline): Likely pathogenic (1 of 4 stars; one submission).

Conditions:
Autosomal dominant vitreoretinochoroidopathy. Also called: Autosomal Dominant Vitreoretinochoroidopathy (ADVIRC); VITREORETINOCHOROIDOPATHY WITH MICROCORNEA, GLAUCOMA, AND CATARACT; VITREORETINOCHOROIDOPATHY, AUTOSOMAL DOMINANT, WITH NANOPHTHALMOS. Identifiers: Orphanet 263347, Orphanet 3086, MedGen C3888099, MONDO:0008662, OMIM 193220.
Autosomal recessive bestrophinopathy. Also called: Autosomal Recessive Bestrophinopathy (ARB). Identifiers: Orphanet 139455, MedGen C3888198, MONDO:0012733, OMIM 611809.
Retinitis pigmentosa 50 (RP50). Also called: Retinitis pigmentosa, concentric. Identifiers: Orphanet 791, MedGen C2750789, MONDO:0013175, OMIM 613194.
Vitelliform macular dystrophy 2. Also called: Best vitelliform macular dystrophy, multifocal; Best Macular Dystrophy; Best Vitelliform Macular Dystrophy (BVMD); VITELLIFORM MACULAR DYSTROPHY, EARLY-ONSET; VITELLIFORM MACULAR DYSTROPHY, JUVENILE-ONSET; MACULAR DEGENERATION, POLYMORPHIC VITELLINE. Identifiers: Orphanet 1243, MedGen C2745945, MONDO:0007931, OMIM 153700.

Submission:

Juno Genomics, Hangzhou Juno Genomics, Inc
Classification: Likely pathogenic for Autosomal dominant vitreoretinochoroidopathy; Autosomal recessive bestrophinopathy; Vitelliform macular dystrophy 2; Retinitis pigmentosa 50. Review status: criteria provided, single submitter. Criteria: ACMG Guidelines, 2015. Collection method: clinical testing. Allele origin: germline. Affected: yes.
Comment: Absent from controls (or at extremely low frequency if recessive) in Genome Aggregation Database, Exome Sequencing Project, 1000 Genomes Project, or Exome Aggregation Consortium.;Multiple lines of computational evidence support a deleterious effect on the gene or gene product (conservation, evolutionary, splicing impact, etc).;For recessive disorders, detected in trans with a pathogenic variant.;Patient's phenotype or family history is highly specific for a disease with a single genetic etiology.

NM_004183.4(BEST1):c.488T>G (p.Met163Arg)

Gene: BEST1 (bestrophin 1; plus strand). Cytogenetic location: 11q12.3.
Variant type: single nucleotide variant.
Coding change: c.488T>G on transcript NM_004183.4 (MANE Select); coding-DNA position 488, T replaced by G.
Protein change: p.Met163Arg; replaces methionine 163 with arginine.
Molecular consequence: missense variant. On other transcripts: non-coding transcript variant (1).
Genome position (GRCh38, 1-based): chr11:61,956,850, T>G. VCF-style: chr11-61956850-T-G. GRCh37 (hg19) VCF-style: chr11-61724322-T-G.
Other names: c.308T>G, p.Met103Arg (NM_001139443.3, NM_001300786.2, NM_001300787.2); c.170T>G, p.Met57Arg (NM_001363591.3); c.488T>G, p.Met163Arg (NM_001363592.2); c.-688T>G (NM_001363593.3); short protein forms M103R, M163R, M57R.
Identifiers: ClinVar variation 3382257 (VCV003382257.3).
Genomic context (GRCh38, chr11:61,956,850, plus strand): 5'-GCCATCCCTTCTGCAGGTTCTCCCACCCACCGCCTTCTTCACTCCACTCTGCAGGCTTTA[T>G]GACTCCGGCAGAACACAAGCAGTTGGAGAAACTGAGCCTACCACACAACATGTTCTGGGT-3'
Protein context (NP_004174.1, residues 153-173): SAQHLVQAGF[Met163Arg]TPAEHKQLEK